The following is an entry in ClinVar:

ClinVar aggregate classification (germline): Uncertain significance. Review status: criteria provided, multiple submitters, no conflicts (2 of 4 stars). 3 submissions from 3 submitters: Uncertain significance (3). Last evaluated 2024-04-01.

Conditions:
Inborn genetic diseases. Identifiers: MedGen C0950123, MeSH D030342.
Meckel syndrome, type 11 (MKS11). Identifiers: Orphanet 564, MedGen C3809352, MONDO:0014164, OMIM 615397.
Joubert syndrome 20 (JBTS20). Identifiers: Orphanet 475, MedGen C3554235, MONDO:0013994, OMIM 614970.

Allele frequency attached by ClinVar (database versions not stated): ExAC below 0.00001; gnomAD exomes 0.00001 and 0.00003; gnomAD 0.00002; TOPMed 0.00002.
gnomAD v4.1: 19 of 1,579,616 alleles (0.0012%); highest among the groups gnomAD compares: African/African-American, 0.0081%; no homozygotes.

Submissions (3):

Fulgent Genetics
Classification: Uncertain significance for Joubert syndrome 20; Meckel syndrome, type 11. Last evaluated: 2024-04-01. Review status: criteria provided, single submitter. Criteria: ACMG Guidelines, 2015. Collection method: clinical testing. Allele origin: germline.

Labcorp Genetics (formerly Invitae), Labcorp
Classification: Uncertain significance for Joubert syndrome 20; Meckel syndrome, type 11. Last evaluated: 2022-08-23. Review status: criteria provided, single submitter. Criteria: Invitae Variant Classification Sherloc (09022015). Collection method: clinical testing. Allele origin: germline.
Comment: This sequence change replaces asparagine, which is neutral and polar, with serine, which is neutral and polar, at codon 143 of the TMEM231 protein (p.Asn143Ser). This variant is present in population databases (rs775968168, gnomAD 0.02%). This variant has not been reported in the literature in individuals affected with TMEM231-related conditions. ClinVar contains an entry for this variant (Variation ID: 985473). Algorithms developed to predict the effect of missense changes on protein structure and function are either unavailable or do not agree on the potential impact of this missense change (SIFT: "Tolerated"; PolyPhen-2: "Not Available"; Align-GVGD: "Class C0"). Algorithms developed to predict the effect of sequence changes on RNA splicing suggest that this variant may create or strengthen a splice site. In summary, the available evidence is currently insufficient to determine the role of this variant in disease. Therefore, it has been classified as a Variant of Uncertain Significance.

Ambry Genetics
Classification: Uncertain significance for Inborn genetic diseases. Last evaluated: 2016-06-27. Review status: criteria provided, single submitter. Criteria: Ambry exome assertion method (8-5-2015). Collection method: clinical testing. Allele origin: germline. Affected: yes. Observed: 1 variant allele.

NM_001077418.3(TMEM231):c.269A>G (p.Asn90Ser)

Gene: TMEM231 (transmembrane protein 231; minus strand). Cytogenetic location: 16q23.1.
Variant type: single nucleotide variant.
Coding change: c.269A>G on transcript NM_001077418.3 (MANE Select); coding-DNA position 269, A replaced by G.
Protein change: p.Asn90Ser; replaces asparagine 90 with serine.
Molecular consequence: missense variant. On other transcripts: non-coding transcript variant (1).
Genome position (GRCh38, 1-based): chr16:75,555,844, T>C on the plus strand (A>G on the coding strand, the complement: TMEM231 is on the minus strand). VCF-style: chr16-75555844-T-C. GRCh37 (hg19) VCF-style: chr16-75589742-T-C.
Other names: c.428A>G, p.Asn143Ser (NM_001077416.2); short protein forms N143S, N90S.
Identifiers: ClinVar variation 985473 (VCV000985473.9), dbSNP rs775968168, ClinGen allele CA8176248.